The following is an entry in ClinVar:

ClinVar aggregate classification (germline): Uncertain significance (1 of 4 stars; one submission).

Conditions:
Agammaglobulinemia 8, autosomal dominant (AGM8A). Also called: AGAMMAGLOBULINEMIA 8A, AUTOSOMAL DOMINANT; AGAMMAGLOBULINEMIA, AUTOSOMAL DOMINANT, DUE TO TCF3 DEFECT. Identifiers: MedGen C4310786, MONDO:0014840, OMIM 616941.

Submission:

Neuberg Centre For Genomic Medicine, NCGM
Classification: Uncertain significance for Agammaglobulinemia 8, autosomal dominant. Review status: criteria provided, single submitter. Criteria: ACMG Guidelines, 2015. Collection method: clinical testing. Allele origin: germline. Inheritance: Autosomal dominant inheritance. Affected: yes.
Comment: The observed missense c.1567G>A(p.Ala523Thr) variant in TCF3 gene has not been reported previously as a pathogenic variant nor as a benign variant, to our knowledge. The p.Ala523Thr variant is absent in gnomAD Exomes database. This variant has not been submitted to the ClinVar database. Multiple lines of computational evidence (Polyphen - Benign, SIFT - Tolerated and MutationTaster - polymorphism) predict no damaging effect on protein structure and function for this variant. The reference amino acid in TCF3 is predicted as conserved by GERP++ and PhyloP across 100 vertebrates. The amino acid Ala at position 523 is changed to a Thr changing protein sequence and it might alter its composition and physico-chemical properties. For these reasons, this variant has been classified as Uncertain Significance (VUS).

NM_003200.5(TCF3):c.1567G>A (p.Ala523Thr)

Gene: TCF3 (transcription factor 3; minus strand). Cytogenetic location: 19p13.3.
Variant type: single nucleotide variant.
Coding change: c.1567G>A on transcript NM_003200.5 (MANE Select); coding-DNA position 1567, G replaced by A.
Protein change: p.Ala523Thr; replaces alanine 523 with threonine.
Molecular consequence: missense variant.
Genome position (GRCh38, 1-based): chr19:1,615,705, C>T on the plus strand (G>A on the coding strand, the complement: TCF3 is on the minus strand). VCF-style: chr19-1615705-C-T. GRCh37 (hg19) VCF-style: chr19-1615704-C-T.
Other names: c.1567G>A, p.Ala523Thr (NM_001136139.4, NM_001351779.2); c.1564G>A, p.Ala522Thr (NM_001351778.2); short protein forms A522T, A523T.
Identifiers: ClinVar variation 3362827 (VCV003362827.3).